The following is an entry in ClinVar:

NM_012210.4(TRIM32):c.1579G>A (p.Val527Ile)

Genes: ASTN2 (astrotactin 2; minus strand), TRIM32 (tripartite motif containing 32; plus strand). Cytogenetic location: 9q33.1.
Variant type: single nucleotide variant.
Coding change: c.1579G>A on transcript NM_012210.4 (MANE Select); coding-DNA position 1579, G replaced by A.
Protein change: p.Val527Ile; replaces valine 527 with isoleucine.
Molecular consequence: missense variant. On other transcripts: intron variant (3).
Genome position (GRCh38, 1-based): chr9:116,699,321, G>A. VCF-style: chr9-116699321-G-A. GRCh37 (hg19) VCF-style: chr9-119461600-G-A.
Other names: c.1579G>A, p.Val527Ile (NM_001099679.2, NM_001379048.1, NM_001379049.1 and 1 more transcripts); c.2653+26450C>T (NM_014010.5); c.2794+26450C>T (NM_001365069.1); c.2806+26450C>T (NM_001365068.1); short protein forms V527I.
Identifiers: ClinVar variation 286257 (VCV000286257.54), dbSNP rs368901621, ClinGen allele CA5211177.

ClinVar aggregate classification (germline): Uncertain significance. Review status: criteria provided, multiple submitters, no conflicts (2 of 4 stars). 4 submissions from 4 submitters: Uncertain significance (4). Last evaluated 2022-08-19.

Conditions:
Bardet-Biedl syndrome 11 (BBS11). Identifiers: Orphanet 110, MedGen C1859569, MONDO:0014439, OMIM 615988.
Sarcotubular myopathy (LGMDR8). Also called: Hutterite type of muscular dystrophy; MUSCULAR DYSTROPHY, LIMB-GIRDLE, AUTOSOMAL RECESSIVE 8; Autosomal recessive limb-girdle muscular dystrophy type 2H; Limb-girdle muscular dystrophy, type 2H. Identifiers: Orphanet 1878, MedGen C0270968, MONDO:0009683, OMIM 254110.
Bardet-Biedl syndrome (BBS). Identifiers: Orphanet 110, MedGen C0752166, MONDO:0015229.

Allele frequency attached by ClinVar (database versions not stated): TOPMed 0.00001; gnomAD 0.00002; ExAC 0.00003; ESP Exome Variant Server 0.00008.
gnomAD v4.1: 20 of 1,614,066 alleles (0.0012%); highest among the groups gnomAD compares: Admixed American, 0.005%; no homozygotes.

Submissions (4):

Labcorp Genetics (formerly Invitae), Labcorp
Classification: Uncertain significance for Bardet-Biedl syndrome. Last evaluated: 2022-08-19. Review status: criteria provided, single submitter. Criteria: Invitae Variant Classification Sherloc (09022015). Collection method: clinical testing. Allele origin: germline.
Comment: This sequence change replaces valine, which is neutral and non-polar, with isoleucine, which is neutral and non-polar, at codon 527 of the TRIM32 protein (p.Val527Ile). This variant is present in population databases (rs368901621, gnomAD 0.006%). This variant has not been reported in the literature in individuals affected with TRIM32-related conditions. ClinVar contains an entry for this variant (Variation ID: 286257). Algorithms developed to predict the effect of missense changes on protein structure and function output the following: SIFT: "Deleterious"; PolyPhen-2: "Benign"; Align-GVGD: "Class C25". The isoleucine amino acid residue is found in multiple mammalian species, which suggests that this missense change does not adversely affect protein function. In summary, the available evidence is currently insufficient to determine the role of this variant in disease. Therefore, it has been classified as a Variant of Uncertain Significance.

Fulgent Genetics
Classification: Uncertain significance for Sarcotubular myopathy; Bardet-Biedl syndrome 11. Last evaluated: 2022-01-07. Review status: criteria provided, single submitter. Criteria: ACMG Guidelines, 2015. Collection method: clinical testing. Allele origin: unknown.

CeGaT Center for Human Genetics Tuebingen
Classification: Uncertain significance. Last evaluated: 2017-08-01. Review status: criteria provided, single submitter. Criteria: CeGaT Center For Human Genetics Tuebingen Variant Classification Criteria Version 2. Collection method: clinical testing. Allele origin: germline. Affected: yes. Observed: 1 variant allele.

Eurofins Ntd Llc (ga)
Classification: Uncertain significance. Last evaluated: 2016-02-12. Review status: criteria provided, single submitter. Criteria: EGL Classification Definitions 2015. Collection method: clinical testing. Allele origin: germline. Observed: 1 variant allele, 1 heterozygote.